The following is an entry in ClinVar:

NM_006648.4(WNK2):c.281C>G (p.Ala94Gly)

Gene: WNK2 (WNK lysine deficient protein kinase 2; plus strand). Cytogenetic location: 9q22.31.
Variant type: single nucleotide variant.
Coding change: c.281C>G on transcript NM_006648.4 (MANE Select); coding-DNA position 281, C replaced by G.
Protein change: p.Ala94Gly; replaces alanine 94 with glycine.
Molecular consequence: missense variant.
Genome position (GRCh38, 1-based): chr9:93,185,210, C>G. VCF-style: chr9-93185210-C-G. GRCh37 (hg19) VCF-style: chr9-95947492-C-G.
Other names: c.281C>G, p.Ala94Gly (NM_001282394.3); short protein forms A94G.
Identifiers: ClinVar variation 3981879 (VCV003981879.1).
Genomic context (GRCh38, chr9:93,185,210, plus strand): 5'-GGGTGCTTCTGCTCTGCAAGACGCGCCGCCTCATCGCGGAGCGCGCCCGCGGACGCCCCG[C>G]CGCCCCCGCGCCCGCAGCGCTGGTAGCGCAGCCGGGAGCCCCCGGAGCCCCCGCGGACGC-3'
Protein context (NP_006639.3, residues 84-104): LIAERARGRP[Ala94Gly]APAPAALVAQ

ClinVar aggregate classification (germline): Uncertain significance (1 of 4 stars; one submission).

Submission:

Ambry Genetics
Classification: Uncertain significance. Last evaluated: 2025-04-13. Review status: criteria provided, single submitter. Criteria: Ambry Variant Classification Scheme 2023. Collection method: clinical testing. Allele origin: germline.
Comment: The p.A94G variant (also known as c.281C>G), located in coding exon 1 of the WNK2 gene, results from a C to G substitution at nucleotide position 281. The alanine at codon 94 is replaced by glycine, an amino acid with similar properties. This amino acid position is conserved. In addition, this alteration is predicted to be tolerated by in silico analysis. Based on the available evidence, the clinical significance of this variant remains unclear.